The following is an entry in ClinVar:

ClinVar aggregate classification (germline): Uncertain significance. Review status: criteria provided, multiple submitters, no conflicts (2 of 4 stars). 2 submissions from 2 submitters: Uncertain significance (2). Last evaluated 2025-09-14.

Conditions:
Emery-Dreifuss muscular dystrophy 4, autosomal dominant (EDMD4). Also called: EMERY-DREIFUSS MUSCULAR DYSTROPHY 4 WITH VARIABLE FEATURES. Identifiers: Orphanet 261, MedGen C2751807, MONDO:0013071, OMIM 612998.
Autosomal recessive ataxia, Beauce type. Also called: SYNE1 Deficiency; Spinocerebellar ataxia, autosomal recessive 8; ATAXIA, RECESSIVE, OF BEAUCE; SYNE1-Related Autosomal Recessive Cerebellar Ataxia. Identifiers: Orphanet 88644, MedGen C1853116, MONDO:0012549, OMIM 610743.

Allele frequency attached by ClinVar (database versions not stated): TOPMed 0.00004; gnomAD exomes below 0.00001; ExAC 0.00001; gnomAD 0.00001.
gnomAD v4.1: 8 of 1,613,886 alleles (0.0005%); highest among the groups gnomAD compares: Admixed American, 0.0083%; no homozygotes.

Submissions (2):

Labcorp Genetics (formerly Invitae), Labcorp
Classification: Uncertain significance for Emery-Dreifuss muscular dystrophy 4, autosomal dominant; Autosomal recessive ataxia, Beauce type. Last evaluated: 2025-09-14. Review status: criteria provided, single submitter. Criteria: Invitae Variant Classification Sherloc (09022015). Collection method: clinical testing. Allele origin: germline.
Comment: This sequence change replaces aspartic acid, which is acidic and polar, with asparagine, which is neutral and polar, at codon 2183 of the SYNE1 protein (p.Asp2183Asn). This variant is present in population databases (rs751689580, gnomAD 0.009%). This variant has not been reported in the literature in individuals affected with SYNE1-related conditions. ClinVar contains an entry for this variant (Variation ID: 1985927). An algorithm developed to predict the effect of missense changes on protein structure and function (PolyPhen-2) suggests that this variant is likely to be disruptive. In summary, the available evidence is currently insufficient to determine the role of this variant in disease. Therefore, it has been classified as a Variant of Uncertain Significance.

Athena Diagnostics
Classification: Uncertain significance. Last evaluated: 2023-11-01. Review status: criteria provided, single submitter. Criteria: Athena Diagnostics Criteria. Collection method: clinical testing. Allele origin: unknown.
Comment: Available data are insufficient to determine the clinical significance of the variant at this time. The frequency of this variant in the general population is uninformative in assessment of its pathogenicity. Computational tools predict that this variant is not damaging.

NM_182961.4(SYNE1):c.6526G>A (p.Asp2176Asn)

Gene: SYNE1 (spectrin repeat containing nuclear envelope protein 1; minus strand). Cytogenetic location: 6q25.2.
Variant type: single nucleotide variant.
Coding change: c.6526G>A on transcript NM_182961.4 (MANE Select); coding-DNA position 6526, G replaced by A.
Protein change: p.Asp2176Asn; replaces aspartic acid 2176 with asparagine.
Molecular consequence: missense variant.
Genome position (GRCh38, 1-based): chr6:152,409,082, C>T on the plus strand (G>A on the coding strand, the complement: SYNE1 is on the minus strand). VCF-style: chr6-152409082-C-T. GRCh37 (hg19) VCF-style: chr6-152730217-C-T.
Other names: c.6547G>A, p.Asp2183Asn (NM_033071.5); c.6526G>A (NM_182961.2); short protein forms D2176N, D2183N.
Identifiers: ClinVar variation 1985927 (VCV001985927.5), dbSNP rs751689580, ClinGen allele CA4058052.